The following is an entry in ClinVar:

ClinVar aggregate classification (germline): other (0 of 4 stars; one submission).

Conditions:
Familial colorectal cancer. Identifiers: MedGen CN280943, MONDO:0023113. Disease mechanism: loss of function.

Submission:

Systems Biology Platform Zhejiang California International NanoSystems Institute
Classification: other for Familial colorectal cancer. Review status: no assertion criteria provided. Collection method: not provided. Allele origin: unknown.
ClinVar note: Converted during submission from cancer to other.

NM_000038.6(APC):c.646-1466T>G

Gene: APC (APC regulator of WNT signaling pathway; plus strand). Cytogenetic location: 5q22.2.
Variant type: single nucleotide variant.
Coding change: c.646-1466T>G on transcript NM_000038.6 (MANE Select); 1466 bases into the intron before coding-DNA position 646, T replaced by G.
Molecular consequence: intron variant.
Genome position (GRCh38, 1-based): chr5:112,790,980, T>G. VCF-style: chr5-112790980-T-G. GRCh37 (hg19) VCF-style: chr5-112126677-T-G.
Other names: c.646-1466T>G (NM_001354895.2, NM_001127510.3, NM_001354896.2 and 1 more transcripts); c.676-1466T>G (NM_001354897.2, NM_001354902.2); c.675+10077T>G (NM_001127511.3); c.571-1466T>G (NM_001354898.2, NM_001354904.2); c.-390-1466T>G (NM_001354906.2); c.645+10077T>G (NM_001354899.2); c.469-1466T>G (NM_001354900.2, NM_001354901.2, NM_001354905.2).
Identifiers: ClinVar variation 82996 (VCV000082996.2), dbSNP rs74588490, ClinGen allele CA011666.